The following is an entry in ClinVar:

NM_001040436.3(YARS2):c.201dup (p.Gly68fs)

Gene: YARS2 (tyrosyl-tRNA synthetase 2; minus strand). Cytogenetic location: 12p11.21.
Variant type: Duplication.
Coding change: c.201dup on transcript NM_001040436.3 (MANE Select); coding-DNA position 201, one base duplicated (T; older notation c.201dupT).
Protein change: p.Gly68fs; shifts the reading frame from glycine 68.
Molecular consequence: frameshift variant.
Genome position (GRCh38, 1-based): chr12:32,755,674, A duplicated on the plus strand (T on the coding strand, the reverse complement: YARS2 is on the minus strand). VCF-style (leftmost placement, unchanged base first): chr12-32755673-C-CA. GRCh37 (hg19) VCF-style: chr12-32908607-C-CA.
Other names: short protein forms G68fs.
Identifiers: ClinVar variation 559360 (VCV000559360.9), dbSNP rs1555137047, ClinGen allele CA658822285.

ClinVar aggregate classification (germline): Pathogenic. Review status: criteria provided, single submitter (1 of 4 stars). 2 submissions from 2 submitters: Pathogenic (1). 1 of the submissions does not count toward it. Last evaluated 2022-03-14.

Submissions (2):

Labcorp Genetics (formerly Invitae), Labcorp
Classification: Pathogenic. Last evaluated: 2022-03-14. Review status: criteria provided, single submitter. Criteria: Invitae Variant Classification Sherloc (09022015). Collection method: clinical testing. Allele origin: germline.
Comment: This sequence change creates a premature translational stop signal (p.Gly68Trpfs*82) in the YARS2 gene. It is expected to result in an absent or disrupted protein product. Loss-of-function variants in YARS2 are known to be pathogenic (PMID: 20598274, 24344687, 25638461). This variant is not present in population databases (gnomAD no frequency). This variant has not been reported in the literature in individuals affected with YARS2-related conditions. ClinVar contains an entry for this variant (Variation ID: 559360). For these reasons, this variant has been classified as Pathogenic.

Mayo Clinic Laboratories, Mayo Clinic
Classification: Likely pathogenic. Last evaluated: 2018-03-19. Review status: no assertion criteria provided. Collection method: clinical testing. Allele origin: unknown. Not counted in ClinVar's aggregate classification.

Literature cited by the submitters: PubMed 20598274 (cited by Labcorp Genetics (formerly Invitae), Labcorp); PubMed 24344687 (cited by Labcorp Genetics (formerly Invitae), Labcorp); PubMed 25638461 (cited by Labcorp Genetics (formerly Invitae), Labcorp).